The following is an entry in ClinVar:

NM_001082538.3(TCTN1):c.409C>T (p.Gln137Ter)

Gene: TCTN1 (tectonic family member 1; plus strand). Cytogenetic location: 12q24.11.
Variant type: single nucleotide variant.
Coding change: c.409C>T on transcript NM_001082538.3 (MANE Select); coding-DNA position 409, C replaced by T.
Protein change: p.Gln137Ter; replaces glutamine 137 with a stop codon.
Molecular consequence: nonsense. On other transcripts: 5 prime UTR variant (1), non-coding transcript variant (1).
Genome position (GRCh38, 1-based): chr12:110,626,429, C>T. VCF-style: chr12-110626429-C-T. GRCh37 (hg19) VCF-style: chr12-111064234-C-T.
Other names: c.409C>T, p.Gln137Ter (NM_001082537.3, NM_001319680.2, NM_024549.6); c.241C>T, p.Gln81Ter (NM_001173975.3, NM_001319682.3); c.229C>T, p.Gln77Ter (NM_001173976.2); c.-299C>T (NM_001319681.2); short protein forms Q137*, Q77*, Q81*.
Identifiers: ClinVar variation 4759234 (VCV004759234.1).

ClinVar aggregate classification (germline): Likely pathogenic (1 of 4 stars; one submission).

Conditions:
Joubert syndrome 13 (JBTS13). Identifiers: Orphanet 475, MedGen C3280031, MONDO:0013608, OMIM 614173.

Submission:

Variantyx, Inc.
Classification: Likely pathogenic for Joubert syndrome 13. Last evaluated: 2025-03-06. Review status: criteria provided, single submitter. Criteria: Variantyx Assertion Criteria 2022. Collection method: clinical testing. Allele origin: maternal.
Comment: This is a nonsense variant in the TCTN1 gene (OMIM: 609863). Pathogenic variants in this gene have been associated with autosomal recessive Joubert syndrome 13. This variant introduces a premature termination codon in exon 3 out of 15. It is expected to result in loss of function, which is a known disease mechanism for TCTN1 in this disorder (PMID: 21725307) (PVS1). This variant is absent from control populations (PM2_Supporting). This variant has not been reported in individuals with TCTN1-related disorders in the databases available for review. Based on the current evidence, this variant is classified as likely pathogenic for autosomal recessive Joubert syndrome 13.